The following is an entry in ClinVar:

NM_022834.5(VWA1):c.554C>G (p.Pro185Arg)

Gene: VWA1 (von Willebrand factor A domain containing 1; plus strand). Cytogenetic location: 1p36.33.
Variant type: single nucleotide variant.
Coding change: c.554C>G on transcript NM_022834.5 (MANE Select); coding-DNA position 554, C replaced by G.
Protein change: p.Pro185Arg; replaces proline 185 with arginine.
Molecular consequence: missense variant. On other transcripts: synonymous variant (1).
Genome position (GRCh38, 1-based): chr1:1,437,407, C>G. VCF-style: chr1-1437407-C-G. GRCh37 (hg19) VCF-style: chr1-1372787-C-G.
Other names: c.159C>G, p.Pro53= (NM_199121.3); short protein forms P185R.
Identifiers: ClinVar variation 4199703 (VCV004199703.2).
Genomic context (GRCh38, chr1:1,437,407, plus strand): 5'-TGTTCATTGTCAGCACCGGCCGAGGCAACTTCCTGGAGCTGTCAGCCGCTGCCTCAGCCC[C>G]TGCCGAGAAGCACCTGCACTTTGTGGACGTGGATGACCTGCACATCATTGTCCAAGAGCT-3'
Protein context (NP_073745.2, residues 175-195): FLELSAAASA[Pro185Arg]AEKHLHFVDV

ClinVar aggregate classification (germline): Uncertain significance. Review status: criteria provided, multiple submitters, no conflicts (2 of 4 stars). 2 submissions from 2 submitters: Uncertain significance (2). Last evaluated 2026-01-28.

gnomAD v4.1: 15 of 1,612,726 alleles (0.00093%); highest among the groups gnomAD compares: Non-Finnish European, 0.0012%; no homozygotes.

Submissions (2):

Women's Health and Genetics/Laboratory Corporation of America, LabCorp
Classification: Uncertain significance. Last evaluated: 2026-01-28. Review status: criteria provided, single submitter. Criteria: LabCorp Variant Classification Summary - May 2015. Collection method: clinical testing. Allele origin: germline.
Comment: Variant summary: VWA1 c.554C>G (p.Pro185Arg) results in a non-conservative amino acid change in the encoded protein sequence. Algorithms developed to predict the effect of missense changes on protein structure and function all suggest that this variant is likely to be disruptive. The variant allele was found at a frequency of 2e-05 in 249784 control chromosomes. The available data on variant occurrences in the general population are insufficient to allow any conclusion about variant significance. To our knowledge, no occurrence of c.554C>G in individuals affected with VWA1-related conditions and no experimental evidence demonstrating its impact on protein function have been reported. ClinVar contains an entry for this variant (Variation ID: 4199703). Based on the evidence outlined above, the variant was classified as uncertain significance.

Ambry Genetics
Classification: Uncertain significance. Last evaluated: 2025-08-05. Review status: criteria provided, single submitter. Criteria: Ambry Variant Classification Scheme 2023. Collection method: clinical testing. Allele origin: germline.